The following is an entry in ClinVar:

ClinVar aggregate classification (germline): Likely benign. Review status: reviewed by expert panel (3 of 4 stars). 4 submissions from 4 submitters: Likely benign (1). 3 of the submissions do not count toward it. Last evaluated 2026-08-24.

Conditions:
CDKL5 disorder. Identifiers: MedGen CN296942, MONDO:0100039.
Inborn genetic diseases. Identifiers: MedGen C0950123, MeSH D030342.
Developmental and epileptic encephalopathy, 2 (DEE2). Also called: CDKL5 deficiency disorder; INFANTILE SPASM SYNDROME, X-LINKED 2. Identifiers: Orphanet 1934, Orphanet 3451, Orphanet 505652, MedGen C4750718, MONDO:0010396, OMIM 300672.
Angelman syndrome-like. Identifiers: MedGen CN128785.

Allele frequency attached by ClinVar (database versions not stated): TOPMed 0.00001.
gnomAD v4.1: 2 of 1,211,843 alleles (0.00017%); no homozygotes.

Submissions (4):

ClinGen Rett and Angelman-like Disorders Variant Curation Expert Panel
Classification: Likely benign for CDKL5 disorder. Last evaluated: 2026-08-24. Review status: reviewed by expert panel. Criteria: ClinGen RettAS ACMG Specifications CDKL5 V6.0. Collection method: curation. Allele origin: germline. Inheritance: X-linked inheritance.
Comment: The minor allele frequency of the p.Asn400His variant in CDKL5 in gnomAD v4.1 is 0.000001650 (not sufficient to meet BS1 criteria). The p.Asn400His variant is observed in at least 3 unaffected individuals (internal database - Ambry; internal database - Labcorp (formerly Invitae)) (BS2). The computational predictor REVEL gives a score of 0.248, which is below the threshold of 0.290, evidence that does not predict a damaging effect on CDKL5 function (BP4). In summary, the p.Asn400His variant in CDKL5 is classified as Likely Benign based on the ACMG/AMP criteria (BS2, BP4, BP5). (CDKL5 Specifications v6.0; curation approved on 8/24/2026)

Ambry Genetics
Classification: Uncertain significance for Inborn genetic diseases. Last evaluated: 2025-04-24. Review status: criteria provided, single submitter. Criteria: Ambry Variant Classification Scheme 2023. Collection method: clinical testing. Allele origin: germline. Not counted in ClinVar's aggregate classification.

Blueprint Genetics
Classification: Uncertain significance. Last evaluated: 2024-04-30. Review status: criteria provided, single submitter. Criteria: ACMG Guidelines, 2015. Collection method: clinical testing. Allele origin: germline. Not counted in ClinVar's aggregate classification.

Labcorp Genetics (formerly Invitae), Labcorp
Classification: Likely benign for Developmental and epileptic encephalopathy, 2; Angelman syndrome-like. Last evaluated: 2021-01-12. Review status: criteria provided, single submitter. Criteria: Invitae Variant Classification Sherloc (09022015). Collection method: clinical testing. Allele origin: germline. Not counted in ClinVar's aggregate classification.

NM_001323289.2(CDKL5):c.1198A>C (p.Asn400His)

Gene: CDKL5 (cyclin dependent kinase like 5; plus strand). Cytogenetic location: Xp22.13.
Variant type: single nucleotide variant.
Coding change: c.1198A>C on transcript NM_001323289.2 (MANE Select); coding-DNA position 1198, A replaced by C.
Protein change: p.Asn400His; replaces asparagine 400 with histidine.
Molecular consequence: missense variant.
Genome position (GRCh38, 1-based): chrX:18,604,122, A>C. VCF-style: chrX-18604122-A-C. GRCh37 (hg19) VCF-style: chrX-18622242-A-C.
Other names: NM_001323289.2(CDKL5):c.1198A>C; p.Asn400His; c.1198A>C, p.Asn400His (NM_001037343.2, NM_003159.3); short protein forms N400H.
Identifiers: ClinVar variation 569644 (VCV000569644.12), dbSNP rs921600020, ClinGen allele CA326987740.
Genomic context (GRCh38, chrX:18,604,122, plus strand): 5'-CACACCAAAACCTACCAAGCAAGCAGCCAGCCTGGGTCTACCAGCAAAGATCTCACCAAC[A>C]ACAACATACCACACCTTCTTAGCCCAAAAGAAGCCAAGTCAAAAACAGAGTTTGATTTTA-3'
Protein context (NP_001310218.1, residues 390-410): PGSTSKDLTN[Asn400His]NIPHLLSPKE